The following is an entry in ClinVar:

NM_002069.6(GNAI1):c.37G>C (p.Val13Leu)

Gene: GNAI1 (G protein subunit alpha i1; plus strand). Cytogenetic location: 7q21.11.
Variant type: single nucleotide variant.
Coding change: c.37G>C on transcript NM_002069.6 (MANE Select); coding-DNA position 37, G replaced by C.
Protein change: p.Val13Leu; replaces valine 13 with leucine.
Molecular consequence: missense variant.
Genome position (GRCh38, 1-based): chr7:80,135,197, G>C. VCF-style: chr7-80135197-G-C. GRCh37 (hg19) VCF-style: chr7-79764513-G-C.
Other names: short protein forms V13L.
Identifiers: ClinVar variation 1703387 (VCV001703387.3), dbSNP rs1433259734, ClinGen allele CA368010771.

ClinVar aggregate classification (germline): Uncertain significance. Review status: criteria provided, multiple submitters, no conflicts (2 of 4 stars). 2 submissions from 2 submitters: Uncertain significance (2). Last evaluated 2025-06-03.

Conditions:
Inborn genetic diseases. Identifiers: MedGen C0950123, MeSH D030342.

Allele frequency attached by ClinVar (database versions not stated): TOPMed below 0.00001; gnomAD 0.00001.
gnomAD v4.1: 2 of 1,556,090 alleles (0.00013%); highest among the groups gnomAD compares: African/African-American, 0.0028%; no homozygotes.

Submissions (2):

Ambry Genetics
Classification: Uncertain significance for Inborn genetic diseases. Last evaluated: 2025-06-03. Review status: criteria provided, single submitter. Criteria: Ambry Variant Classification Scheme 2023. Collection method: clinical testing. Allele origin: germline.

GeneDx
Classification: Uncertain significance. Last evaluated: 2022-02-23. Review status: criteria provided, single submitter. Criteria: GeneDx Variant Classification Process June 2021. Collection method: clinical testing. Allele origin: germline. Affected: yes.
Comment: Has not been previously published as pathogenic or benign to our knowledge; Not observed at significant frequency in large population cohorts (gnomAD); In silico analysis supports that this missense variant does not alter protein structure/function